The following is an entry in ClinVar:

NM_021803.4(IL21):c.457T>C (p.Ser153Pro)

Gene: IL21 (interleukin 21; minus strand). Cytogenetic location: 4q27.
Variant type: single nucleotide variant.
Coding change: c.457T>C on transcript NM_021803.4 (MANE Select); coding-DNA position 457, T replaced by C.
Protein change: p.Ser153Pro; replaces serine 153 with proline.
Molecular consequence: missense variant. On other transcripts: 3 prime UTR variant (1).
Genome position (GRCh38, 1-based): chr4:122,612,742, A>G on the plus strand (T>C on the coding strand, the complement: IL21 is on the minus strand). VCF-style: chr4-122612742-A-G. GRCh37 (hg19) VCF-style: chr4-123533897-A-G.
Other names: c.*85T>C (NM_001207006.3); short protein forms S153P.
Identifiers: ClinVar variation 4774157 (VCV004774157.1).

ClinVar aggregate classification (germline): Uncertain significance (1 of 4 stars; one submission).

Submission:

Labcorp Genetics (formerly Invitae), Labcorp
Classification: Uncertain significance. Last evaluated: 2025-10-26. Review status: criteria provided, single submitter. Criteria: Invitae Variant Classification Sherloc (09022015). Collection method: clinical testing. Allele origin: germline.
Comment: This sequence change replaces serine, which is neutral and polar, with proline, which is neutral and non-polar, at codon 153 of the IL21 protein (p.Ser153Pro). This variant is not present in population databases (gnomAD no frequency). This variant has not been reported in the literature in individuals affected with IL21-related conditions. An algorithm developed to predict the effect of missense changes on protein structure and function (PolyPhen-2) suggests that this variant is likely to be disruptive. In summary, the available evidence is currently insufficient to determine the role of this variant in disease. Therefore, it has been classified as a Variant of Uncertain Significance.